The following is an entry in ClinVar:

ClinVar aggregate classification (germline): Benign/Likely benign. Review status: criteria provided, multiple submitters, no conflicts (2 of 4 stars). 4 submissions from 4 submitters: Benign (1); Likely benign (2). 1 of the submissions does not count toward it. Last evaluated 2026-02-03.

Conditions:
Kabuki syndrome. Also called: NIIKAWA-KUROKI SYNDROME; Kabuki make-up syndrome. Identifiers: Orphanet 2322, MedGen C0796004, MONDO:0016512.
KMT2D-related disorder. Also called: KMT2D-Related Disorders.

Allele frequency attached by ClinVar (database versions not stated): gnomAD exomes 0.00002 and 0.00006; ExAC 0.00006; 1000 Genomes Project 30x 0.00016; 1000 Genomes Project 0.00020; gnomAD 0.00020 and 0.00023; ESP Exome Variant Server 0.00024; TOPMed 0.00030.
gnomAD v4.1: 62 of 1,606,290 alleles (0.0039%); highest among the groups gnomAD compares: African/African-American, 0.08%; no homozygotes.

Submissions (4):

Labcorp Genetics (formerly Invitae), Labcorp
Classification: Likely benign for Kabuki syndrome. Last evaluated: 2026-02-03. Review status: criteria provided, single submitter. Criteria: Invitae Variant Classification Sherloc (09022015). Collection method: clinical testing. Allele origin: germline.

Blueprint Genetics
Classification: Likely benign. Last evaluated: 2022-07-14. Review status: criteria provided, single submitter. Criteria: ACMG Guidelines, 2015. Collection method: clinical testing. Allele origin: germline.

GeneDx
Classification: Benign. Last evaluated: 2020-06-02. Review status: criteria provided, single submitter. Criteria: GeneDx Variant Classification Process June 2021. Collection method: clinical testing. Allele origin: germline. Affected: yes.

PreventionGenetics, part of Exact Sciences
Classification: Likely benign for KMT2D-related condition. Last evaluated: 2021-05-12. Review status: no assertion criteria provided. Collection method: clinical testing. Allele origin: germline. Not counted in ClinVar's aggregate classification.
Comment: This variant is classified as likely benign based on ACMG/AMP sequence variant interpretation guidelines (Richards et al. 2015 PMID: 25741868, with internal and published modifications).

NM_003482.4(KMT2D):c.3045C>T (p.Ile1015=)

Gene: KMT2D (lysine methyltransferase 2D; minus strand). Cytogenetic location: 12q13.12.
Variant type: single nucleotide variant.
Coding change: c.3045C>T on transcript NM_003482.4 (MANE Select); coding-DNA position 3045, C replaced by T.
Protein change: p.Ile1015=; no amino-acid change (isoleucine 1015 retained).
Molecular consequence: synonymous variant.
Genome position (GRCh38, 1-based): chr12:49,050,543, G>A on the plus strand (C>T on the coding strand, the complement: KMT2D is on the minus strand). VCF-style: chr12-49050543-G-A. GRCh37 (hg19) VCF-style: chr12-49444326-G-A.
Identifiers: ClinVar variation 703372 (VCV000703372.14), dbSNP rs370440607, ClinGen allele CA6548128.